The following is an entry in ClinVar:

ClinVar aggregate classification (germline): Uncertain significance. Review status: criteria provided, multiple submitters, no conflicts (2 of 4 stars). 2 submissions from 2 submitters: Uncertain significance (2). Last evaluated 2025-09-24.

Conditions:
Cardiovascular phenotype. Identifiers: MedGen CN230736.
Hereditary cancer-predisposing syndrome. Also called: Tumor predisposition; Hereditary neoplastic syndrome; Neoplastic Syndromes, Hereditary; Hereditary Cancer Syndrome. Identifiers: Orphanet 140162, MedGen C0027672, MeSH D009386, MONDO:0015356.

Allele frequency attached by ClinVar (database versions not stated): gnomAD exomes below 0.00001.
gnomAD v4.1: 1 of 1,611,194 alleles (0.000062%); highest among the groups gnomAD compares: Non-Finnish European, 0.000085%; no homozygotes.

Submissions (2):

Labcorp Genetics (formerly Invitae), Labcorp
Classification: Uncertain significance. Last evaluated: 2025-09-24. Review status: criteria provided, single submitter. Criteria: Invitae Variant Classification Sherloc (09022015). Collection method: clinical testing. Allele origin: germline.
Comment: This sequence change falls in intron 15 of the LZTR1 gene. It does not directly change the encoded amino acid sequence of the LZTR1 protein. It affects a nucleotide within the consensus splice site. This variant is not present in population databases (gnomAD no frequency). This variant has not been reported in the literature in individuals affected with LZTR1-related conditions. ClinVar contains an entry for this variant (Variation ID: 2178536). Variants that disrupt the consensus splice site are a relatively common cause of aberrant splicing (PMID: 17576681, 9536098). Algorithms developed to predict the effect of sequence changes on RNA splicing suggest that this variant may disrupt the consensus splice site. In summary, the available evidence is currently insufficient to determine the role of this variant in disease. Therefore, it has been classified as a Variant of Uncertain Significance.

Ambry Genetics
Classification: Uncertain significance for Cardiovascular phenotype; Hereditary cancer-predisposing syndrome. Last evaluated: 2025-01-10. Review status: criteria provided, single submitter. Criteria: Ambry Variant Classification Scheme 2023. Collection method: clinical testing. Allele origin: germline.
Comment: The c.1785+5G>A intronic variant results from a G to A substitution 5 nucleotides after coding exon 15 in the LZTR1 gene. This nucleotide position is not well conserved in available vertebrate species. In silico splice site analysis predicts that this alteration will result in the creation or strengthening of a novel splice donor site. Based on the available evidence, the clinical significance of this variant remains unclear.

Literature cited by the submitters: PubMed 17576681 (cited by Labcorp Genetics (formerly Invitae), Labcorp); PubMed 9536098 (cited by Labcorp Genetics (formerly Invitae), Labcorp).

NM_006767.4(LZTR1):c.1785+5G>A

Gene: LZTR1 (leucine zipper like post translational regulator 1; plus strand). Cytogenetic location: 22q11.21.
Variant type: single nucleotide variant.
Coding change: c.1785+5G>A on transcript NM_006767.4 (MANE Select); 5 bases into the intron after coding-DNA position 1785, G replaced by A.
Molecular consequence: intron variant.
Genome position (GRCh38, 1-based): chr22:20,994,732, G>A. VCF-style: chr22-20994732-G-A. GRCh37 (hg19) VCF-style: chr22-21349021-G-A.
Other names: c.1785+5G>A (NM_006767.3).
Identifiers: ClinVar variation 2178536 (VCV002178536.5), dbSNP rs1359845066, ClinGen allele CA638942584.
Genomic context (GRCh38, chr22:20,994,732, plus strand): 5'-AGAACGTGCTGGTTGTGTGCGAGAGTGCCGCCCGGCTGCAGCTGAGCCAACTCAAGGTGT[G>A]GGGTGGGGTCAGCGCAATCAGGGTTGGGTGGGGTGTGCTCAGGCTTAGGCCCCCTCCCTG-3'